The following continues an entry in ClinVar:

NM_003000.3(SDHB):c.269G>A (p.Arg90Gln)

Gene: SDHB. ClinVar aggregate classification (germline): Conflicting classifications of pathogenicity. Likely pathogenic (3); Uncertain significance (7).

Submissions 9 to 12 of 12:

Women's Health and Genetics/Laboratory Corporation of America, LabCorp
Classification: Likely pathogenic for Hereditary pheochromocytoma and paraganglioma. Last evaluated: 2021-10-28. Review status: criteria provided, single submitter. Criteria: LabCorp Variant Classification Summary - May 2015. Collection method: clinical testing. Allele origin: germline.
Comment: Variant summary: SDHB c.269G>A (p.Arg90Gln) results in a conservative amino acid change located in the 2Fe-2S ferredoxin-type iron-sulfur binding domain (IPR001041) of the encoded protein sequence. Four of five in-silico tools predict a damaging effect of the variant on protein function. The variant allele was found at a frequency of 8e-06 in 251332 control chromosomes. c.269G>A has been reported in the literature in comprehensively genotyped cohorts of individuals affected with Hereditary Paraganglioma-Pheochromocytoma Syndrome and in at-least one individual with bilateral breast cancer example, Neumann_2009, Castellano_2006, Hermsen_2010, Curras-Freixes_2015, Bernardo-Castineira_2019, Moradian_2021). These data indicate that the variant is likely to be associated with disease. At least one publication reports experimental evidence evaluating an impact on protein function, however, does not allow convincing conclusions about the variant effect as it has been shown to reduce but not entirely abolish SDHB enzymatic activity in a yeast experimental system (Panizza_2013). Five clinical diagnostic laboratories have submitted clinical-significance assessments for this variant to ClinVar after 2014 without evidence for independent evaluation (VUS, n=4; likely pathogenic, n=1). Some submitters cite overlapping but not identical evidence utilized in the context of this evaluation. Based on the evidence outlined above, the variant was classified as likely pathogenic.

GeneDx
Classification: Uncertain significance. Last evaluated: 2020-09-17. Review status: criteria provided, single submitter. Criteria: GeneDx Variant Classification (06012015). Collection method: clinical testing. Allele origin: germline. Affected: yes.
Comment: Not observed at a significant frequency in large population cohorts (Lek et al., 2016) In silico analysis supports that this missense variant has a deleterious effect on protein structure/function Published functional studies in yeast demonstrate reduced SDH activity (Panizza 2013) Observed in individuals with SDHB-related tumors (Castellano 2006, Neumann 2009, Hermsen 2010, Curras-Freixes 2015, Bernardo-Castineira 2019)

Center of Medical Genetics and Primary Health Care
Classification: Uncertain significance for Bilateral breast cancer. Last evaluated: 2020-07-22. Review status: no assertion criteria provided. Collection method: research. Allele origin: germline. Affected: yes. Observed: 1 heterozygote. Not counted in ClinVar's aggregate classification.
Comment: ACMG Guidelines 2015 criteria This variant is in exon 3 of the SDHB gene in the Fer2_3 domain (F42-147Y aa); it is involved in electron transfer activity, iron-sulfur cluster binding. This missense change has been shown to reduce but not entirely abolish SDHB enzymatic activity (PMID: 23175444) (PS3 Pathogenic Very Strong). This variant has been reported as pathogenic in paraganglioma (Panizzaet al., 2013). This variant is in a hotspot of 10 pathogenic missense, nonsense, and frameshift variants (source ClinVar) (PM1 Pathogenic Moderate). There is a known pathogenic null (terminating) variant (i.e., c.268C>T (p.Arg90Ter) at the same amino acid residue which also suggests that this region is a mutational hotspot (PS1 Pathogenic Strong). The allele count in GnomAD exomes and GnomAD genomes are 2 and 1, respectively, which are less the threshold 5 for dominant gene SDHB (PM2 Pathogenic Moderate). 11 pathogenic predictions from DANN, DEOGEN2, EIGEN, FATHMM-MKL, M-CAP, MVP, MutationAssessor, MutationTaster, PrimateAI, REVEL and SIFT versus no benign predictions support its deleterious effect (PP3 Pathogenic Supporting). This variant is reported in ClinVar as a likely pathogenic variant or a VUS. Based on the evidence provided above, we classified this variant as a Variant of Unknown Significance.

Gharavi Laboratory, Columbia University
Classification: Uncertain significance. Last evaluated: 2018-09-16. Review status: no assertion criteria provided. Criteria: ACMG Guidelines, 2015. Collection method: research. Allele origin: germline. Affected: no. Not counted in ClinVar's aggregate classification.

Literature cited by the submitters: PubMed 17102082 (cited by 6 submitters); PubMed 19351833 (cited by 5 submitters); PubMed 20208144 (cited by 5 submitters); PubMed 23175444 (cited by 5 submitters); PubMed 26102504 (cited by 3 submitters); PubMed 26269449 (cited by 4 submitters); PubMed 22977270 (cited by Myriad Genetics, Inc.); PubMed 32460727 (cited by Myriad Genetics, Inc.); PubMed 34906457 (cited by Myriad Genetics, Inc. and Labcorp Genetics (formerly Invitae), Labcorp); PubMed 41252211 (cited by Myriad Genetics, Inc.); PubMed 30549360 (cited by Color Diagnostics, LLC DBA Color Health); PubMed 31216007 (cited by Color Diagnostics, LLC DBA Color Health and Women's Health and Genetics/Laboratory Corporation of America, LabCorp); PubMed 21520333 (cited by Labcorp Genetics (formerly Invitae), Labcorp); PubMed 33558524 (cited by Labcorp Genetics (formerly Invitae), Labcorp and Women's Health and Genetics/Laboratory Corporation of America, LabCorp).